The following is an entry in ClinVar:

ClinVar aggregate classification (germline): Uncertain significance. Review status: criteria provided, multiple submitters, no conflicts (2 of 4 stars). 2 submissions from 2 submitters: Uncertain significance (2). Last evaluated 2026-05-27.

Conditions:
RAI1-related disorder. Also called: RAI1-related condition.

Allele frequency attached by ClinVar (database versions not stated): ExAC 0.00001.
gnomAD v4.1: 7 of 1,612,890 alleles (0.00043%); highest among the groups gnomAD compares: East Asian, 0.0022%; no homozygotes.

Submissions (2):

PreventionGenetics, part of Exact Sciences
Classification: Uncertain significance for RAI1-related condition. Last evaluated: 2026-05-27. Review status: criteria provided, single submitter. Criteria: ACMG Guidelines, 2015. Collection method: clinical testing. Allele origin: germline.
Comment: The RAI1 c.1708G>A variant is predicted to result in the amino acid substitution p.Asp570Asn. To our knowledge, this variant has not been reported in the literature. This variant is reported in 0.0029% of alleles in individuals of Latino descent in gnomAD. At this time, the clinical significance of this variant is uncertain due to the absence of conclusive functional and genetic evidence.

Labcorp Genetics (formerly Invitae), Labcorp
Classification: Uncertain significance. Last evaluated: 2024-11-24. Review status: criteria provided, single submitter. Criteria: Invitae Variant Classification Sherloc (09022015). Collection method: clinical testing. Allele origin: germline.
Comment: This sequence change replaces aspartic acid, which is acidic and polar, with asparagine, which is neutral and polar, at codon 570 of the RAI1 protein (p.Asp570Asn). This variant is present in population databases (rs767147391, gnomAD 0.003%). This variant has not been reported in the literature in individuals affected with RAI1-related conditions. ClinVar contains an entry for this variant (Variation ID: 2162416). Invitae Evidence Modeling of protein sequence and biophysical properties (such as structural, functional, and spatial information, amino acid conservation, physicochemical variation, residue mobility, and thermodynamic stability) indicates that this missense variant is not expected to disrupt RAI1 protein function with a negative predictive value of 80%. In summary, the available evidence is currently insufficient to determine the role of this variant in disease. Therefore, it has been classified as a Variant of Uncertain Significance.

NM_030665.4(RAI1):c.1708G>A (p.Asp570Asn)

Gene: RAI1 (retinoic acid induced 1; plus strand). Cytogenetic location: 17p11.2.
Variant type: single nucleotide variant.
Coding change: c.1708G>A on transcript NM_030665.4 (MANE Select); coding-DNA position 1708, G replaced by A.
Protein change: p.Asp570Asn; replaces aspartic acid 570 with asparagine.
Molecular consequence: missense variant.
Genome position (GRCh38, 1-based): chr17:17,794,656, G>A. VCF-style: chr17-17794656-G-A. GRCh37 (hg19) VCF-style: chr17-17697970-G-A.
Other names: c.1708G>A (NM_030665.3); short protein forms D570N.
Identifiers: ClinVar variation 2162416 (VCV002162416.5), dbSNP rs767147391, ClinGen allele CA8418383.
Genomic context (GRCh38, chr17:17,794,656, plus strand): 5'-CCCGAGTCCGTGTCCACCTGTTCTGTGACCTCTCCTGACGACATGTCCACCAAATCTGAC[G>A]ACTCCTTCCAGAGCCTACACGGCAGTCTGCCGCTCGACAGCTTCTCCAAGTTCGTGGCGG-3'
Protein context (NP_109590.3, residues 560-580): SPDDMSTKSD[Asp570Asn]SFQSLHGSLP